The following is an entry in ClinVar:

ClinVar aggregate classification (germline): Benign/Likely benign. Review status: criteria provided, multiple submitters, no conflicts (2 of 4 stars). 9 submissions from 9 submitters: Benign (7); Likely benign (2). Last evaluated 2026-09-01.

Conditions:
Developmental and epileptic encephalopathy, 33 (DEE33). Also called: Epileptic encephalopathy, early infantile, 33. Identifiers: Orphanet 442835, MedGen C4225337, MONDO:0014625, OMIM 616409.
Inborn genetic diseases. Identifiers: MedGen C0950123, MeSH D030342.

Allele frequency attached by ClinVar (database versions not stated): ExAC 0.00141; ESP Exome Variant Server 0.00403; TOPMed 0.00422; gnomAD 0.00429 and 0.00453; 1000 Genomes Project 0.00539; 1000 Genomes Project 30x 0.00578.
gnomAD v4.1: 1,717 of 1,605,458 alleles (0.11%); highest among the groups gnomAD compares: African/African-American, 1.3%; 6 homozygotes.

Submissions (9):

CeGaT Center for Human Genetics Tuebingen
Classification: Likely benign. Last evaluated: 2026-09-01. Review status: criteria provided, single submitter. Criteria: CeGaT Center For Human Genetics Tuebingen Variant Classification Criteria Version 2. Collection method: clinical testing. Allele origin: germline. Affected: yes. Observed: 5 variant alleles.
Comment: EEF1A2: BP4, BP7, BS1

Labcorp Genetics (formerly Invitae), Labcorp
Classification: Benign for Developmental and epileptic encephalopathy, 33. Last evaluated: 2026-01-28. Review status: criteria provided, single submitter. Criteria: Invitae Variant Classification Sherloc (09022015). Collection method: clinical testing. Allele origin: germline.

Blueprint Genetics
Classification: Likely benign. Last evaluated: 2024-10-18. Review status: criteria provided, single submitter. Criteria: ACMG Guidelines, 2015. Collection method: clinical testing. Allele origin: germline.

ARUP Laboratories, Molecular Genetics and Genomics, ARUP Laboratories
Classification: Benign. Last evaluated: 2024-10-11. Review status: criteria provided, single submitter. Criteria: ARUP Molecular Germline Variant Investigation Process 2024. Collection method: clinical testing. Allele origin: germline.

Mayo Clinic Laboratories, Mayo Clinic
Classification: Benign. Last evaluated: 2019-06-05. Review status: criteria provided, single submitter. Criteria: ACMG Guidelines, 2015. Collection method: clinical testing. Allele origin: germline. Observed: 4 variant alleles.

Athena Diagnostics
Classification: Benign. Last evaluated: 2018-12-28. Review status: criteria provided, single submitter. Criteria: Athena Diagnostics Criteria. Collection method: clinical testing. Allele origin: germline.

Ambry Genetics
Classification: Benign for Inborn genetic diseases. Last evaluated: 2016-08-23. Review status: criteria provided, single submitter. Criteria: Ambry Variant Classification Scheme 2023. Collection method: clinical testing. Allele origin: germline.

GeneDx
Classification: Benign. Last evaluated: 2016-03-10. Review status: criteria provided, single submitter. Criteria: GeneDx Variant Classification (06012015). Collection method: clinical testing. Allele origin: germline. Affected: yes.
Comment: This variant is considered likely benign or benign based on one or more of the following criteria: it is a conservative change, it occurs at a poorly conserved position in the protein, it is predicted to be benign by multiple in silico algorithms, and/or has population frequency not consistent with disease.

Breakthrough Genomics
Classification: Benign. Review status: criteria provided, single submitter. Criteria: ACMG Guidelines, 2015. Collection method: not provided. Allele origin: germline. Inheritance: Autosomal dominant inheritance. Affected: yes.

NM_001958.5(EEF1A2):c.1263C>T (p.Leu421=)

Gene: EEF1A2 (eukaryotic translation elongation factor 1 alpha 2; minus strand). Cytogenetic location: 20q13.33.
Variant type: single nucleotide variant.
Coding change: c.1263C>T on transcript NM_001958.5 (MANE Select); coding-DNA position 1263, C replaced by T.
Protein change: p.Leu421=; no amino-acid change (leucine 421 retained).
Molecular consequence: synonymous variant.
Genome position (GRCh38, 1-based): chr20:63,488,919, G>A on the plus strand (C>T on the coding strand, the complement: EEF1A2 is on the minus strand). VCF-style: chr20-63488919-G-A. GRCh37 (hg19) VCF-style: chr20-62120272-G-A.
Other names: p.Leu421=.
Identifiers: ClinVar variation 383693 (VCV000383693.39), dbSNP rs115107511, ClinGen allele CA9958949.